The following is an entry in ClinVar:

NM_000142.5(FGFR3):c.805A>T (p.Ser269Cys)

Gene: FGFR3 (fibroblast growth factor receptor 3; plus strand). Cytogenetic location: 4p16.3.
Variant type: single nucleotide variant.
Coding change: c.805A>T on transcript NM_000142.5 (MANE Select); coding-DNA position 805, A replaced by T.
Protein change: p.Ser269Cys; replaces serine 269 with cysteine.
Molecular consequence: missense variant. On other transcripts: non-coding transcript variant (1).
Genome position (GRCh38, 1-based): chr4:1,801,900, A>T. VCF-style: chr4-1801900-A-T. GRCh37 (hg19) VCF-style: chr4-1803627-A-T.
Other names: c.805A>T, p.Ser269Cys (NM_001163213.2, NM_001354809.2, NM_001354810.2 and 1 more transcripts); short protein forms S269C.
Identifiers: ClinVar variation 4857831 (VCV004857831.1).
Genomic context (GRCh38, chr4:1,801,900, plus strand): 5'-TCCCCGCACCGGCCCATCCTGCAGGCGGGGCTGCCGGCCAACCAGACGGCGGTGCTGGGC[A>T]GCGACGTGGAGTTCCACTGCAAGGTGTACAGTGACGCACAGCCCCACATCCAGTGGCTCA-3'
Protein context (NP_000133.1, residues 259-279): LPANQTAVLG[Ser269Cys]DVEFHCKVYS

ClinVar aggregate classification (germline): Likely pathogenic (1 of 4 stars; one submission).

Conditions:
Hypochondroplasia (HCH). Identifiers: Orphanet 429, MedGen C0410529, MONDO:0007793, OMIM 146000. Disease mechanism: gain of function.

Submission:

Genomenon, Inc
Classification: Likely pathogenic for Hypochondroplasia. Last evaluated: 2026-06-23. Review status: criteria provided, single submitter. Criteria: Genomenon Sequence Variant Interpretation Standards - Updated. Collection method: curation. Allele origin: germline. Affected: yes.
Comment: FGFR3 p.Ser269Cys (c.805A>T) is a missense variant that changes the amino acid at codon 269 from Serine to Cysteine. This variant has been observed in at least one proband with hypochondroplasia (PMID:29736252). A de novo occurrence of this variant has been observed in at least one affected individual (PMID:29736252). It is absent or not present at a significant frequency in gnomAD. In silico models predict that this variant is possibly or probably damaging. In conclusion, we classify FGFR3 p.Ser269Cys (c.805A>T) as a likely pathogenic variant.

Literature cited by the submitters: PubMed 29736252; PubMed 30681580.